The following is an entry in ClinVar:

NM_002474.3(MYH11):c.4068G>A (p.Met1356Ile)

Genes: NDE1 (nudE neurodevelopment protein 1; plus strand), MYH11 (myosin heavy chain 11; minus strand). Cytogenetic location: 16p13.11.
Variant type: single nucleotide variant.
Coding change: c.4068G>A on transcript NM_002474.3 (MANE Select); coding-DNA position 4068, G replaced by A.
Protein change: p.Met1356Ile; replaces methionine 1356 with isoleucine.
Molecular consequence: missense variant. On other transcripts: 3 prime UTR variant (2).
Genome position (GRCh38, 1-based): chr16:15,724,695, C>T on the plus strand (G>A on the coding strand, the complement: MYH11 is on the minus strand). VCF-style: chr16-15724695-C-T. GRCh37 (hg19) VCF-style: chr16-15818552-C-T.
Other names: p.M1356I:ATG>ATA; c.4089G>A, p.Met1363Ile (NM_001040113.2, NM_001040114.2); c.4068G>A, p.Met1356Ile (NM_022844.3); c.*444C>T (NM_001143979.2, NM_017668.3); short protein forms M1356I, M1363I.
Identifiers: ClinVar variation 201032 (VCV000201032.5), dbSNP rs794728663, ClinGen allele CA306458.
Genomic context (GRCh38, chr16:15,724,695, plus strand): 5'-CGGGGCAGGCACCTGGATGTTGAGAGTGGAGATGTGGCGCTCCAGGTTCTGCTTGGCCTC[C>T]ATCTCCTCGTCCAGCTGGTCTTGCAGGCTGTTCCGCTCCTCCTCCAGCTGGCGCAGCTTC-3'
Protein context (NP_002465.1, residues 1346-1366): NSLQDQLDEE[Met1356Ile]EAKQNLERHI

ClinVar aggregate classification (germline): Uncertain significance. Review status: criteria provided, multiple submitters, no conflicts (2 of 4 stars). 2 submissions from 2 submitters: Uncertain significance (2). Last evaluated 2024-07-11.

Conditions:
Familial thoracic aortic aneurysm and aortic dissection (TAAD). Also called: Thoracic aortic aneurysms and dissections. Identifiers: Orphanet 91387, MedGen C4707243, MONDO:0019625.

Allele frequency attached by ClinVar (database versions not stated): gnomAD exomes below 0.00001.
gnomAD v4.1: 2 of 1,614,208 alleles (0.00012%); highest among the groups gnomAD compares: Non-Finnish European, 0.00017%; no homozygotes.

Submissions (2):

Ambry Genetics
Classification: Uncertain significance for Familial thoracic aortic aneurysm and aortic dissection. Last evaluated: 2024-07-11. Review status: criteria provided, single submitter. Criteria: Ambry Variant Classification Scheme 2023. Collection method: clinical testing. Allele origin: germline.
Comment: The p.M1356I variant (also known as c.4068G>A), located in coding exon 29 of the MYH11 gene, results from a G to A substitution at nucleotide position 4068. The methionine at codon 1356 is replaced by isoleucine, an amino acid with highly similar properties. This amino acid position is conserved. In addition, this alteration is predicted to be tolerated by in silico analysis. Since supporting evidence is limited at this time, the clinical significance of this alteration remains unclear.

GeneDx
Classification: Uncertain significance. Last evaluated: 2023-06-20. Review status: criteria provided, single submitter. Criteria: GeneDx Variant Classification Process June 2021. Collection method: clinical testing. Allele origin: germline. Affected: yes.
Comment: Not observed at significant frequency in large population cohorts (gnomAD); In silico analysis supports that this missense variant does not alter protein structure/function; Has not been previously published as pathogenic or benign to our knowledge